The following is an entry in ClinVar:

NM_018979.4(WNK1):c.6414C>G (p.Ser2138Arg)

Gene: WNK1 (WNK lysine deficient protein kinase 1; plus strand). Cytogenetic location: 12p13.33.
Variant type: single nucleotide variant.
Coding change: c.6414C>G on transcript NM_018979.4 (MANE Select); coding-DNA position 6414, C replaced by G.
Protein change: p.Ser2138Arg; replaces serine 2138 with arginine.
Molecular consequence: missense variant.
Genome position (GRCh38, 1-based): chr12:897,647, C>G. VCF-style: chr12-897647-C-G. GRCh37 (hg19) VCF-style: chr12-1006813-C-G.
Other names: c.7194C>G, p.Ser2398Arg (NM_001184985.2); c.5670C>G, p.Ser1890Arg (NM_014823.3); c.7170C>G, p.Ser2390Arg (NM_213655.5); short protein forms S1890R, S2138R, S2390R, S2398R.
Identifiers: ClinVar variation 3345460 (VCV003345460.1).

ClinVar aggregate classification (germline): Uncertain significance (0 of 4 stars; one submission).

Conditions:
WNK1-related disorder. Also called: WNK1-related condition.

Submission:

PreventionGenetics, part of Exact Sciences
Classification: Uncertain significance for WNK1-related condition. Last evaluated: 2024-07-17. Review status: no assertion criteria provided. Collection method: clinical testing. Allele origin: germline.
Comment: The WNK1 c.6414C>G variant is predicted to result in the amino acid substitution p.Ser2138Arg. To our knowledge, this variant has not been reported in the literature or in a large population database, indicating this variant is rare. At this time, the clinical significance of this variant is uncertain due to the absence of conclusive functional and genetic evidence.